The following is an entry in ClinVar:

ClinVar aggregate classification (germline): Uncertain significance (1 of 4 stars; one submission).

Allele frequency attached by ClinVar (database versions not stated): gnomAD exomes below 0.00001 and 0.00001; TOPMed below 0.00001; ExAC 0.00001; gnomAD 0.00001; 1000 Genomes Project 30x 0.00016; 1000 Genomes Project 0.00020.
gnomAD v4.1: 7 of 1,614,098 alleles (0.00043%); highest among the groups gnomAD compares: African/African-American, 0.0013%; no homozygotes.

Submission:

Labcorp Genetics (formerly Invitae), Labcorp
Classification: Uncertain significance. Last evaluated: 2021-10-17. Review status: criteria provided, single submitter. Criteria: Invitae Variant Classification Sherloc (09022015). Collection method: clinical testing. Allele origin: germline.
Comment: This sequence change replaces arginine with glutamine at codon 291 of the UNC80 protein (p.Arg291Gln). The arginine residue is moderately conserved and there is a small physicochemical difference between arginine and glutamine. This variant is present in population databases (rs146565598, ExAC 0.001%). This variant has not been reported in the literature in individuals affected with UNC80-related conditions. Algorithms developed to predict the effect of missense changes on protein structure and function output the following: SIFT: "Not Available"; PolyPhen-2: "Benign"; Align-GVGD: "Not Available". The glutamine amino acid residue is found in multiple mammalian species, which suggests that this missense change does not adversely affect protein function. In summary, the available evidence is currently insufficient to determine the role of this variant in disease. Therefore, it has been classified as a Variant of Uncertain Significance.

NM_001371986.1(UNC80):c.872G>A (p.Arg291Gln)

Gene: UNC80 (unc-80 homolog, NALCN channel complex subunit; plus strand). Cytogenetic location: 2q34.
Variant type: single nucleotide variant.
Coding change: c.872G>A on transcript NM_001371986.1 (MANE Select); coding-DNA position 872, G replaced by A.
Protein change: p.Arg291Gln; replaces arginine 291 with glutamine.
Molecular consequence: missense variant.
Genome position (GRCh38, 1-based): chr2:209,793,793, G>A. VCF-style: chr2-209793793-G-A. GRCh37 (hg19) VCF-style: chr2-210658517-G-A.
Other names: c.872G>A, p.Arg291Gln (NM_032504.2, NM_182587.4); short protein forms R291Q.
Identifiers: ClinVar variation 1358867 (VCV001358867.3), dbSNP rs146565598, ClinGen allele CA2082866.
Genomic context (GRCh38, chr2:209,793,793, plus strand): 5'-TTTGTGAAACATTCCAGTCTGATTCCATCTCACCCAAGGCCACCATTTCAGGCTGTCACC[G>A]AGGAAACTCCTTTGATGGAAGTCTGTCCTCCCAAACTTCCCAGGAAAGAGGCCCATCACA-3'
Protein context (NP_001358915.1, residues 281-301): SPKATISGCH[Arg291Gln]GNSFDGSLSS